The following is an entry in ClinVar:

ClinVar aggregate classification (germline): Uncertain significance (1 of 4 stars; one submission).

Submission:

Labcorp Genetics (formerly Invitae), Labcorp
Classification: Uncertain significance. Last evaluated: 2020-04-20. Review status: criteria provided, single submitter. Criteria: Invitae Variant Classification Sherloc (09022015). Collection method: clinical testing. Allele origin: germline.
Comment: In summary, the available evidence is currently insufficient to determine the role of this variant in disease. Therefore, it has been classified as a Variant of Uncertain Significance. This sequence change replaces phenylalanine with cysteine at codon 279 of the SMARCB1 protein (p.Phe279Cys). The phenylalanine residue is highly conserved and there is a large physicochemical difference between phenylalanine and cysteine. This variant is not present in population databases (ExAC no frequency). This variant has not been reported in the literature in individuals with SMARCB1-related conditions. Algorithms developed to predict the effect of missense changes on protein structure and function (SIFT, PolyPhen-2, Align-GVGD) all suggest that this variant is likely to be disruptive, but these predictions have not been confirmed by published functional studies and their clinical significance is uncertain. Algorithms developed to predict the effect of sequence changes on RNA splicing suggest that this variant may create or strengthen a splice site, but this prediction has not been confirmed by published transcriptional studies.

NM_003073.5(SMARCB1):c.836T>G (p.Phe279Cys)

Gene: SMARCB1 (SWI/SNF related BAF chromatin remodeling complex subunit B1; plus strand). Cytogenetic location: 22q11.23.
Variant type: single nucleotide variant.
Coding change: c.836T>G on transcript NM_003073.5 (MANE Select); coding-DNA position 836, T replaced by G.
Protein change: p.Phe279Cys; replaces phenylalanine 279 with cysteine.
Molecular consequence: missense variant.
Genome position (GRCh38, 1-based): chr22:23,825,265, T>G. VCF-style: chr22-23825265-T-G. GRCh37 (hg19) VCF-style: chr22-24167452-T-G.
Other names: c.809T>G, p.Phe270Cys (NM_001007468.3); c.863T>G, p.Phe288Cys (NM_001317946.2); c.890T>G, p.Phe297Cys (NM_001362877.2); short protein forms F270C, F279C, F288C, F297C.
Identifiers: ClinVar variation 1018508 (VCV001018508.8), dbSNP rs2030320193, ClinGen allele CA410906938.